The following is an entry in ClinVar:

ClinVar aggregate classification (germline): Uncertain significance. Review status: criteria provided, multiple submitters, no conflicts (2 of 4 stars). 2 submissions from 2 submitters: Uncertain significance (2). Last evaluated 2025-01-28.

Allele frequency attached by ClinVar (database versions not stated): gnomAD 0.00003; gnomAD exomes 0.00004; ExAC 0.00005; TOPMed 0.00007; ESP Exome Variant Server 0.00016.
gnomAD v4.1: 163 of 1,613,838 alleles (0.01%); highest among the groups gnomAD compares: Non-Finnish European, 0.013%; no homozygotes.

Submissions (2):

Labcorp Genetics (formerly Invitae), Labcorp
Classification: Uncertain significance. Last evaluated: 2025-01-28. Review status: criteria provided, single submitter. Criteria: Invitae Variant Classification Sherloc (09022015). Collection method: clinical testing. Allele origin: germline.
Comment: This sequence change replaces glycine, which is neutral and non-polar, with arginine, which is basic and polar, at codon 897 of the CACNA2D4 protein (p.Gly897Arg). This variant is present in population databases (rs368973969, gnomAD 0.007%). This variant has not been reported in the literature in individuals affected with CACNA2D4-related conditions. ClinVar contains an entry for this variant (Variation ID: 1008070). An algorithm developed to predict the effect of missense changes on protein structure and function (PolyPhen-2) suggests that this variant is likely to be disruptive. In summary, the available evidence is currently insufficient to determine the role of this variant in disease. Therefore, it has been classified as a Variant of Uncertain Significance.

Blueprint Genetics
Classification: Uncertain significance. Last evaluated: 2024-02-14. Review status: criteria provided, single submitter. Criteria: ACMG Guidelines, 2015. Collection method: clinical testing. Allele origin: germline.

NM_172364.5(CACNA2D4):c.2689G>A (p.Gly897Arg)

Gene: CACNA2D4 (calcium voltage-gated channel auxiliary subunit alpha2delta 4; minus strand). Cytogenetic location: 12p13.33.
Variant type: single nucleotide variant.
Coding change: c.2689G>A on transcript NM_172364.5 (MANE Select); coding-DNA position 2689, G replaced by A.
Protein change: p.Gly897Arg; replaces glycine 897 with arginine.
Molecular consequence: missense variant.
Genome position (GRCh38, 1-based): chr12:1,810,310, C>T on the plus strand (G>A on the coding strand, the complement: CACNA2D4 is on the minus strand). VCF-style: chr12-1810310-C-T. GRCh37 (hg19) VCF-style: chr12-1919476-C-T.
Other names: short protein forms G897R.
Identifiers: ClinVar variation 1008070 (VCV001008070.9), dbSNP rs368973969, ClinGen allele CA6386250.